The following is an entry in ClinVar:

NM_001349253.2(SCN11A):c.423C>T (p.Ile141=)

Gene: SCN11A (sodium voltage-gated channel alpha subunit 11; minus strand). Cytogenetic location: 3p22.2.
Variant type: single nucleotide variant.
Coding change: c.423C>T on transcript NM_001349253.2 (MANE Select); coding-DNA position 423, C replaced by T.
Protein change: p.Ile141=; no amino-acid change (isoleucine 141 retained).
Molecular consequence: synonymous variant.
Genome position (GRCh38, 1-based): chr3:38,945,476, G>A on the plus strand (C>T on the coding strand, the complement: SCN11A is on the minus strand). VCF-style: chr3-38945476-G-A. GRCh37 (hg19) VCF-style: chr3-38986967-G-A.
Other names: p.Ile141=; c.423C>T (NM_014139.2); c.423C>T, p.Ile141= (NM_014139.3).
Identifiers: ClinVar variation 1123222 (VCV001123222.10), dbSNP rs201503937, ClinGen allele CA2322621.
Genomic context (GRCh38, chr3:38,945,476, plus strand): 5'-AATGTCAGTATTGTTACTGTTGCTGTTTTTAGCAGGCCCTGTAGCCATGAACACGCAGTT[G>A]ATGATAACGGTGCCGATAATGAACATGCTGAACAATGTGGCCAGCATCCATTAAGGCAGA-3'
Protein context (NP_001336182.1, residues 131-151): FSMFIIGTVI[Ile141=]NCVFMATGPA

ClinVar aggregate classification (germline): Likely benign. Review status: criteria provided, multiple submitters, no conflicts (2 of 4 stars). 4 submissions from 4 submitters: Likely benign (4). Last evaluated 2026-02-13.

Conditions:
Hereditary sensory and autonomic neuropathy type 7. Also called: Neuropathy, hereditary sensory and autonomic, type VII; HSAN VII. Identifiers: Orphanet 391397, MedGen C3809882, MONDO:0014244, OMIM 615548.
Familial episodic pain syndrome with predominantly lower limb involvement. Also called: Episodic pain syndrome, familial, 3. Identifiers: Orphanet 391384, Orphanet 391392, MedGen C3809899, MONDO:0014247, OMIM 615552.
SCN11A-related disorder. Also called: SCN11A-related condition.

Allele frequency attached by ClinVar (database versions not stated): gnomAD exomes 0.00004 and 0.00007; ExAC 0.00006; ESP Exome Variant Server 0.00008; gnomAD 0.00008 and 0.00009; TOPMed 0.00008; 1000 Genomes Project 30x 0.00016; 1000 Genomes Project 0.00020.
gnomAD v4.1: 79 of 1,592,884 alleles (0.005%); highest among the groups gnomAD compares: Non-Finnish European, 0.0045%; no homozygotes.

Submissions (4):

PreventionGenetics, part of Exact Sciences
Classification: Likely benign for SCN11A-related condition. Last evaluated: 2026-02-13. Review status: criteria provided, single submitter. Criteria: ACMG Guidelines, 2015. Collection method: clinical testing. Allele origin: germline.
Comment: This variant is classified as likely benign based on ACMG/AMP sequence variant interpretation guidelines (Richards et al. 2015 PMID: 25741868, with internal and published modifications).

Labcorp Genetics (formerly Invitae), Labcorp
Classification: Likely benign for Familial episodic pain syndrome with predominantly lower limb involvement; Hereditary sensory and autonomic neuropathy type 7. Last evaluated: 2025-09-08. Review status: criteria provided, single submitter. Criteria: Invitae Variant Classification Sherloc (09022015). Collection method: clinical testing. Allele origin: germline.

Mayo Clinic Laboratories, Mayo Clinic
Classification: Likely benign. Last evaluated: 2025-09-03. Review status: criteria provided, single submitter. Criteria: ACMG Guidelines, 2015. Collection method: clinical testing. Allele origin: germline. Observed: 1 variant allele.
Comment: BP4, BP7

Blueprint Genetics
Classification: Likely benign. Last evaluated: 2024-11-22. Review status: criteria provided, single submitter. Criteria: ACMG Guidelines, 2015. Collection method: clinical testing. Allele origin: germline.